The following is an entry in ClinVar:

NM_001040142.2(SCN2A):c.4871T>C (p.Leu1624Pro)

Gene: SCN2A (sodium voltage-gated channel alpha subunit 2; plus strand). Cytogenetic location: 2q24.3.
Variant type: single nucleotide variant.
Coding change: c.4871T>C on transcript NM_001040142.2 (MANE Select); coding-DNA position 4871, T replaced by C.
Protein change: p.Leu1624Pro; replaces leucine 1624 with proline.
Molecular consequence: missense variant.
Genome position (GRCh38, 1-based): chr2:165,388,677, T>C. VCF-style: chr2-165388677-T-C. GRCh37 (hg19) VCF-style: chr2-166245187-T-C.
Other names: c.4871T>C, p.Leu1624Pro (NM_001040143.2, NM_001371246.1, NM_001371247.1 and 1 more transcripts); short protein forms L1624P.
Identifiers: ClinVar variation 2009829 (VCV002009829.4), dbSNP rs2468157327, ClinGen allele CA349037660.

ClinVar aggregate classification (germline): Pathogenic (1 of 4 stars; one submission).

Conditions:
Seizures, benign familial infantile, 3 (BFIS3). Also called: CONVULSIONS, BENIGN FAMILIAL INFANTILE, 3; Familial neonatal seizures. Identifiers: Orphanet 140927, Orphanet 306, MedGen C1843140, MONDO:0011904, OMIM 607745.
Developmental and epileptic encephalopathy, 11 (DEE11). Also called: Early infantile epileptic encephalopathy 11. Identifiers: Orphanet 1934, MedGen C3150987, MONDO:0013388, OMIM 613721.

Submission:

Labcorp Genetics (formerly Invitae), Labcorp
Classification: Pathogenic for Seizures, benign familial infantile, 3; Developmental and epileptic encephalopathy, 11. Last evaluated: 2022-10-21. Review status: criteria provided, single submitter. Criteria: Invitae Variant Classification Sherloc (09022015). Collection method: clinical testing. Allele origin: germline.
Comment: This sequence change replaces leucine, which is neutral and non-polar, with proline, which is neutral and non-polar, at codon 1624 of the SCN2A protein (p.Leu1624Pro). This variant is not present in population databases (gnomAD no frequency). This missense change has been observed in individual(s) with clinical features of SCN2A-related conditions (Invitae). In at least one individual the variant was observed to be de novo. Advanced modeling of protein sequence and biophysical properties (such as structural, functional, and spatial information, amino acid conservation, physicochemical variation, residue mobility, and thermodynamic stability) performed at Invitae indicates that this missense variant is expected to disrupt SCN2A protein function. For these reasons, this variant has been classified as Pathogenic.